The following is an entry in ClinVar:

ClinVar aggregate classification (germline): Uncertain significance (1 of 4 stars; one submission).

Submission:

GeneDx
Classification: Uncertain significance. Last evaluated: 2022-04-04. Review status: criteria provided, single submitter. Criteria: GeneDx Variant Classification Process June 2021. Collection method: clinical testing. Allele origin: germline. Affected: yes.
Comment: Not observed at significant frequency in large population cohorts (gnomAD); In silico analysis supports that this missense variant has a deleterious effect on protein structure/function; Has not been previously published as pathogenic or benign to our knowledge

NM_024537.4(CARS2):c.617A>C (p.Lys206Thr)

Gene: CARS2 (cysteinyl-tRNA synthetase 2, mitochondrial; minus strand). Cytogenetic location: 13q34.
Variant type: single nucleotide variant.
Coding change: c.617A>C on transcript NM_024537.4 (MANE Select); coding-DNA position 617, A replaced by C.
Protein change: p.Lys206Thr; replaces lysine 206 with threonine.
Molecular consequence: missense variant. On other transcripts: 5 prime UTR variant (1), non-coding transcript variant (2).
Genome position (GRCh38, 1-based): chr13:110,683,089, T>G on the plus strand (A>C on the coding strand, the complement: CARS2 is on the minus strand). VCF-style: chr13-110683089-T-G. GRCh37 (hg19) VCF-style: chr13-111335436-T-G.
Other names: c.-170A>C (NM_001352252.2); c.617A>C, p.Lys206Thr (NM_001352253.3); short protein forms K206T.
Identifiers: ClinVar variation 1675268 (VCV001675268.2), dbSNP rs2139839821, ClinGen allele CA388736818.